The following is an entry in ClinVar:

ClinVar aggregate classification (germline): Likely pathogenic (1 of 4 stars; one submission).

Conditions:
Ehlers-Danlos syndrome, type 4 (EDSVASC). Also called: Ehlers-Danlos Syndrome Type IV; Ehlers-Danlos syndrome vascular type; Ehlers Danlos syndrome, ecchymotic type; Ehlers Danlos syndrome, arterial type; Ehlers Danlos syndrome, Sack-Barabas type. Identifiers: Orphanet 286, MedGen C0268338, MONDO:0017314, OMIM 130050.

Submission:

Labcorp Genetics (formerly Invitae), Labcorp
Classification: Likely pathogenic for Ehlers-Danlos syndrome, type 4. Last evaluated: 2023-02-04. Review status: criteria provided, single submitter. Criteria: Invitae Variant Classification Sherloc (09022015). Collection method: clinical testing. Allele origin: germline.
Comment: This sequence change replaces glycine, which is neutral and non-polar, with arginine, which is basic and polar, at codon 906 of the COL3A1 protein (p.Gly906Arg). This variant is not present in population databases (gnomAD no frequency). This variant has not been reported in the literature in individuals affected with COL3A1-related conditions. Advanced modeling of protein sequence and biophysical properties (such as structural, functional, and spatial information, amino acid conservation, physicochemical variation, residue mobility, and thermodynamic stability) performed at Invitae indicates that this missense variant is expected to disrupt COL3A1 protein function. This variant disrupts the triple helix domain of COL3A1. Glycine residues within the Gly-Xaa-Yaa repeats of the triple helix domain are required for the structure and stability of fibrillar collagens (PMID: 7695699, 8218237, 19344236). In COL3A1, variants that affect these glycine residues are significantly enriched in individuals with disease (PMID: 24922459, 25758994) compared to the general population (ExAC). In summary, the currently available evidence indicates that the variant is pathogenic, but additional data are needed to prove that conclusively. Therefore, this variant has been classified as Likely Pathogenic.

Literature cited by the submitters: PubMed 7695699; PubMed 8218237; PubMed 19344236; PubMed 24922459; PubMed 25758994.

NM_000090.4(COL3A1):c.2716G>C (p.Gly906Arg)

Gene: COL3A1 (collagen type III alpha 1 chain; plus strand). Cytogenetic location: 2q32.2.
Variant type: single nucleotide variant.
Coding change: c.2716G>C on transcript NM_000090.4 (MANE Select); coding-DNA position 2716, G replaced by C.
Protein change: p.Gly906Arg; replaces glycine 906 with arginine.
Molecular consequence: missense variant.
Genome position (GRCh38, 1-based): chr2:189,004,036, G>C. VCF-style: chr2-189004036-G-C. GRCh37 (hg19) VCF-style: chr2-189868762-G-C.
Other names: short protein forms G906R.
Identifiers: ClinVar variation 2727832 (VCV002727832.3), dbSNP rs1688530172, ClinGen allele CA349843894.